The following is an entry in ClinVar:

ClinVar aggregate classification (germline): Uncertain significance (1 of 4 stars; one submission).

Conditions:
Encephalopathy, acute, infection-induced (herpes-specific), susceptibility to, 1. Also called: Herpes simplex encephalitis, susceptibility to, 1. Identifiers: Orphanet 1930, MedGen C2750180, MONDO:0024563, OMIM 610551.

Submission:

Labcorp Genetics (formerly Invitae), Labcorp
Classification: Uncertain significance for Encephalopathy, acute, infection-induced (herpes-specific), susceptibility to, 1. Last evaluated: 2018-09-06. Review status: criteria provided, single submitter. Criteria: Invitae Variant Classification Sherloc (09022015). Collection method: clinical testing. Allele origin: germline.
Comment: This variant has not been reported in the literature in individuals with UNC93B1-related disease. In summary, the available evidence is currently insufficient to determine the role of this variant in disease. Therefore, it has been classified as a Variant of Uncertain Significance. Experimental studies and prediction algorithms are not available for this variant, and the functional significance of the additional amino acid(s) is currently unknown. The frequency data for this variant in the population databases is considered unreliable, as metrics indicate insufficient coverage at this position in the ExAC database. This sequence change disrupts the translational stop signal of the UNC93B1 mRNA. It is expected to extend the length of the UNC93B1 protein by unknown number of additional amino acid residues.

NM_030930.4(UNC93B1):c.1792T>G (p.Ter598Gly)

Gene: UNC93B1 (unc-93B1 regulator of TLR signaling; minus strand). Cytogenetic location: 11q13.2.
Variant type: single nucleotide variant.
Coding change: c.1792T>G on transcript NM_030930.4 (MANE Select); coding-DNA position 1792, T replaced by G.
Protein change: p.Ter598Gly.
Molecular consequence: stop lost.
Genome position (GRCh38, 1-based): chr11:67,991,548, A>C on the plus strand (T>G on the coding strand, the complement: UNC93B1 is on the minus strand). VCF-style: chr11-67991548-A-C. GRCh37 (hg19) VCF-style: chr11-67759019-A-C.
Other names: *598G.
Identifiers: ClinVar variation 666065 (VCV000666065.9), dbSNP rs1590757014, ClinGen allele CA381566632.